The following is an entry in ClinVar:

NM_001429.4(EP300):c.4873del (p.Asp1625fs)

Gene: EP300 (EP300 lysine acetyltransferase; plus strand). Cytogenetic location: 22q13.2.
Variant type: Deletion.
Coding change: c.4873del on transcript NM_001429.4 (MANE Select); coding-DNA position 4873, one base deleted (G; older notation c.4873delG).
Protein change: p.Asp1625fs; shifts the reading frame from aspartic acid 1625.
Molecular consequence: frameshift variant.
Genome position (GRCh38, 1-based): chr22:41,176,340, G deleted; the last of 2 consecutive G bases (chr22:41,176,339-41,176,340); deleting either gives the same sequence. VCF-style (leftmost placement, unchanged base first): chr22-41176338-TG-T. GRCh37 (hg19) VCF-style: chr22-41572342-TG-T.
Other names: c.4795del, p.Asp1599fs (NM_001362843.2); short protein forms D1625fs, D1599fs.
Identifiers: ClinVar variation 1371078 (VCV001371078.8), dbSNP rs2145512676, ClinGen allele CA2573158208.
Genomic context (GRCh38, chr22:41,176,338, plus strand): 5'-CTGCTGCCAACTCCCTGCCTCCCATTGTTGATCCTGATCCTCTCATCCCCTGCGATCTGA[TG>T]GATGGTCGGGATGCGTTTCTCACGCTGGCAAGGGACAAGCACCTGGAGTTCTCTTCACTC-3'

ClinVar aggregate classification (germline): Pathogenic (1 of 4 stars; one submission).

Conditions:
Rubinstein-Taybi syndrome due to EP300 haploinsufficiency. Also called: EP300-Related Rubinstein-Taybi Syndrome; RUBINSTEIN-TAYBI SYNDROME 2. Identifiers: Orphanet 353284, Orphanet 783, MedGen C3150941, MONDO:0013364, OMIM 613684.

Submission:

Labcorp Genetics (formerly Invitae), Labcorp
Classification: Pathogenic for Rubinstein-Taybi syndrome due to EP300 haploinsufficiency. Last evaluated: 2021-04-28. Review status: criteria provided, single submitter. Criteria: Invitae Variant Classification Sherloc (09022015). Collection method: clinical testing. Allele origin: germline.
Comment: This sequence change creates a premature translational stop signal (p.Asp1625Metfs*84) in the EP300 gene. While this is not anticipated to result in nonsense mediated decay, it is expected to disrupt the last 790 amino acid(s) of the EP300 protein. This variant is not present in population databases (ExAC no frequency). This variant has not been reported in the literature in individuals with EP300-related conditions. This variant disrupts the C-terminus of the EP300 protein. Other variant(s) that disrupt this region (p.Pro2367Argfs*36) have been determined to be pathogenic (PMID: 17299436). This suggests that variants that disrupt this region of the protein are likely to be causative of disease. For these reasons, this variant has been classified as Pathogenic.

Literature cited by the submitters: PubMed 17299436.